The following is an entry in ClinVar:

ClinVar aggregate classification (germline): Conflicting classifications of pathogenicity. Review status: criteria provided, conflicting classifications (1 of 4 stars). 6 submissions from 5 submitters: Uncertain significance (1); Benign (2); Likely benign (2). 1 of the submissions does not count toward it. Last evaluated 2025-12-15.

Conditions:
Autosomal recessive ataxia, Beauce type. Also called: SYNE1-Related Autosomal Recessive Cerebellar Ataxia; Spinocerebellar ataxia, autosomal recessive 8; ATAXIA, RECESSIVE, OF BEAUCE; SYNE1 Deficiency. Identifiers: Orphanet 88644, MedGen C1853116, MONDO:0012549, OMIM 610743.
Emery-Dreifuss muscular dystrophy 4, autosomal dominant (EDMD4). Also called: EMERY-DREIFUSS MUSCULAR DYSTROPHY 4 WITH VARIABLE FEATURES. Identifiers: Orphanet 261, MedGen C2751807, MONDO:0013071, OMIM 612998.
SYNE1-related disorder. Also called: SYNE1-related disease; SYNE1-related condition; SYNE1-related disorders.

Allele frequency attached by ClinVar (database versions not stated): gnomAD 0.00025 and 0.00026; gnomAD exomes 0.00027 and 0.00041; TOPMed 0.00030; ExAC 0.00038; ESP Exome Variant Server 0.00054.
gnomAD v4.1: 449 of 1,613,910 alleles (0.028%); highest among the groups gnomAD compares: Middle Eastern, 0.099%; no homozygotes.

Submissions (6):

Labcorp Genetics (formerly Invitae), Labcorp
Classification: Benign for Emery-Dreifuss muscular dystrophy 4, autosomal dominant; Autosomal recessive ataxia, Beauce type. Last evaluated: 2025-12-15. Review status: criteria provided, single submitter. Criteria: Invitae Variant Classification Sherloc (09022015). Collection method: clinical testing. Allele origin: germline.

Blueprint Genetics
Classification: Likely benign. Last evaluated: 2024-10-16. Review status: criteria provided, single submitter. Criteria: ACMG Guidelines, 2015. Collection method: clinical testing. Allele origin: germline.

GeneDx
Classification: Likely benign. Last evaluated: 2018-03-14. Review status: criteria provided, single submitter. Criteria: GeneDx Variant Classification (06012015). Collection method: clinical testing. Allele origin: germline. Affected: yes.
Comment: This variant is considered likely benign or benign based on one or more of the following criteria: it is a conservative change, it occurs at a poorly conserved position in the protein, it is predicted to be benign by multiple in silico algorithms, and/or has population frequency not consistent with disease.

Illumina Laboratory Services, Illumina
Classification: Uncertain significance for Autosomal recessive ataxia, Beauce type. Last evaluated: 2018-01-13. Review status: criteria provided, single submitter. Criteria: ICSL Variant Classification Criteria 13 December 2019. Collection method: clinical testing. Allele origin: germline.

Illumina Laboratory Services, Illumina
Classification: Benign for Emery-Dreifuss muscular dystrophy 4, autosomal dominant. Last evaluated: 2018-01-13. Review status: criteria provided, single submitter. Criteria: ICSL Variant Classification Criteria 13 December 2019. Collection method: clinical testing. Allele origin: germline.
Comment: This variant was observed in the ICSL laboratory as part of a predisposition screen in an ostensibly healthy population. It had not been previously curated by ICSL or reported in the Human Gene Mutation Database (HGMD: prior to June 1st, 2018), and was therefore a candidate for classification through an automated scoring system. Utilizing variant allele frequency, disease prevalence and penetrance estimates, and inheritance mode, an automated score was calculated to assess if this variant is too frequent to cause the disease. Based on the score and internal cut-off values, a variant classified as benign is not then subjected to further curation. The score for this variant resulted in a classification of benign for this disease.

PreventionGenetics, part of Exact Sciences
Classification: Likely benign for SYNE1-related condition. Last evaluated: 2022-03-28. Review status: no assertion criteria provided. Collection method: clinical testing. Allele origin: germline. Not counted in ClinVar's aggregate classification.
Comment: This variant is classified as likely benign based on ACMG/AMP sequence variant interpretation guidelines (Richards et al. 2015 PMID: 25741868, with internal and published modifications).

NM_182961.4(SYNE1):c.23791-13C>T

Gene: SYNE1 (spectrin repeat containing nuclear envelope protein 1; minus strand). Cytogenetic location: 6q25.2.
Variant type: single nucleotide variant.
Coding change: c.23791-13C>T on transcript NM_182961.4 (MANE Select); 13 bases into the intron before coding-DNA position 23791, C replaced by T.
Molecular consequence: intron variant.
Genome position (GRCh38, 1-based): chr6:152,156,110, G>A on the plus strand (C>T on the coding strand, the complement: SYNE1 is on the minus strand). VCF-style: chr6-152156110-G-A. GRCh37 (hg19) VCF-style: chr6-152477245-G-A.
Other names: c.23578-13C>T (NM_033071.5); c.397-13C>T (NM_001347701.2); c.256-13C>T (NM_001347702.2).
Identifiers: ClinVar variation 355818 (VCV000355818.15), dbSNP rs371245873, ClinGen allele CA4053352.
Genomic context (GRCh38, chr6:152,156,110, plus strand): 5'-GACAGATGCAACACCTGTACTGTGCTTCTCTATGTCTCTCTGAAGCTCCTGCAGGGGAAC[G>A]TAACAGGCTTTATTCAACAATTACATGTATACAGATGAGAGAAACTGAAGCAACCTATGT-3'